The following is an entry in ClinVar:

NM_000256.3(MYBPC3):c.3408C>A (p.Tyr1136Ter)

Gene: MYBPC3 (myosin binding protein C3; minus strand). Cytogenetic location: 11p11.2.
Variant type: single nucleotide variant.
Coding change: c.3408C>A on transcript NM_000256.3 (MANE Select); coding-DNA position 3408, C replaced by A.
Protein change: p.Tyr1136Ter; replaces tyrosine 1136 with a stop codon.
Molecular consequence: nonsense.
Genome position (GRCh38, 1-based): chr11:47,332,896, G>T on the plus strand (C>A on the coding strand, the complement: MYBPC3 is on the minus strand). VCF-style: chr11-47332896-G-T. GRCh37 (hg19) VCF-style: chr11-47354447-G-T.
Other names: short protein forms Y1136*.
Identifiers: ClinVar variation 36611 (VCV000036611.23), dbSNP rs193922383, ClinGen allele CA014095.
Genomic context (GRCh38, chr11:47,332,896, plus strand): 5'-CTCCTTGGTGGTGGCCGCTCTGTCACTAAAGCCAACCATATTCTGGCTGAAGACGCGGAA[G>T]TAGTAGCCATTGCCAATGATGAGCTCTGGCACCACGCAGTGGGTGCGGCGGTAATGCTCC-3'

ClinVar aggregate classification (germline): Pathogenic. Review status: criteria provided, multiple submitters, no conflicts (2 of 4 stars). 8 submissions from 8 submitters: Pathogenic (6). 2 of the submissions do not count toward it. Last evaluated 2025-05-01.

Conditions:
MYBPC3-related disorder. Also called: MYBPC3-related condition; MYBPC3-related disease; MYBPC3-related disorders.
Cardiovascular phenotype. Identifiers: MedGen CN230736.
Primary familial hypertrophic cardiomyopathy (HCM). Identifiers: Orphanet 99739, MedGen C0949658, MeSH D024741, MONDO:0024573. Inheritance: Various modes of inheritance.
Hypertrophic cardiomyopathy. Also called: HYPERTROPHIC MYOCARDIOPATHY. Identifiers: Orphanet 217569, MedGen C0007194, MeSH D002312, MONDO:0005045, HP:0001639.

Allele frequency attached by ClinVar (database versions not stated): gnomAD 0.00001.
gnomAD v4.1: 2 of 1,608,768 alleles (0.00012%); highest among the groups gnomAD compares: Non-Finnish European, 0.000085%; no homozygotes.

Submissions (8):

Labcorp Genetics (formerly Invitae), Labcorp
Classification: Pathogenic for Hypertrophic cardiomyopathy. Last evaluated: 2025-05-01. Review status: criteria provided, single submitter. Criteria: Invitae Variant Classification Sherloc (09022015). Collection method: clinical testing. Allele origin: germline.
Comment: This sequence change creates a premature translational stop signal (p.Tyr1136*) in the MYBPC3 gene. It is expected to result in an absent or disrupted protein product. Loss-of-function variants in MYBPC3 are known to be pathogenic (PMID: 19574547). This variant is not present in population databases (gnomAD no frequency). This premature translational stop signal has been observed in individual(s) with hypertrophic cardiomyopathy (PMID: 24111713, 25262865, 27532257, 28408708). ClinVar contains an entry for this variant (Variation ID: 36611). For these reasons, this variant has been classified as Pathogenic.

Ambry Genetics
Classification: Pathogenic for Cardiovascular phenotype. Last evaluated: 2023-12-22. Review status: criteria provided, single submitter. Criteria: Ambry Variant Classification Scheme 2023. Collection method: clinical testing. Allele origin: germline.
Comment: The p.Y1136* pathogenic mutation (also known as c.3408C>A), located in coding exon 31 of the MYBPC3 gene, results from a C to A substitution at nucleotide position 3408. This changes the amino acid from a tyrosine to a stop codon within coding exon 31. This variant has been detected in hypertrophic cardiomyopathy (HCM) cohorts (Berge KE et al. Clin. Genet., 2014 Oct;86:355-60; Ingles J et al. Circ Cardiovasc Genet, 2017 Apr;10; Walsh R et al. Genet. Med., 2017 02;19:192-203). This mutation was detected in trans with a second MYBPC3 mutation in an infant with non-compaction cardiomyopathy requiring heart transplant. The mother, who had only the p.Y1136* mutation, had a diagnosis of HCM (Haberer K et al. Can J Cardiol, 2014 Oct;30:1249.e1-3). This variant is considered to be rare based on population cohorts in the Genome Aggregation Database (gnomAD). This alteration is expected to result in loss of function by premature protein truncation or nonsense-mediated mRNA decay. Based on the supporting evidence, this alteration is interpreted as a disease-causing mutation.

All of Us Research Program, National Institutes of Health
Classification: Pathogenic for Hypertrophic cardiomyopathy. Last evaluated: 2023-07-19. Review status: criteria provided, single submitter. Criteria: ACMG Guidelines, 2015. Collection method: clinical testing. Allele origin: germline. Inheritance: Autosomal dominant inheritance. Observed: 1 variant allele, 1 heterozygote.
Comment: This variant changes 1 nucleotide in exon 31 of the MYBPC3 gene, creating a premature translation stop signal. This variant is expected to result in an absent or non-functional protein product. This variant has been reported in four unrelated individuals affected with hypertrophic cardiomyopathy (PMID: 24111713, 28408708, 28615295, 33495596) and in an individual suspected to be affected with hypertrophic cardiomyopathy (PMID: 33673806). This variant has also been observed in compound heterozygous state with a known pathogenic MYBPC3 variant in an infant affected with left ventricular non-compaction (PMID: 25262865). Variant Tyr1136* was inherited from the parent who was affected with hypertrophic cardiomyopathy. This variant has not been identified in the general population by the Genome Aggregation Database (gnomAD). Loss of MYBPC3 function is a known mechanism of disease. Based on the available evidence, this variant is classified as Pathogenic.

This study involves interpretation of variants in research participants for the purpose of population health screening. Participant phenotype was not available at the time of variant classification. Additional details can be found in publication PMID: 35346344, PMCID: PMC8962531

GeneDx
Classification: Pathogenic. Last evaluated: 2022-12-20. Review status: criteria provided, single submitter. Criteria: GeneDx Variant Classification Process June 2021. Collection method: clinical testing. Allele origin: germline. Affected: yes.
Comment: Not observed at significant frequency in large population cohorts (gnomAD); Nonsense variant predicted to result in protein truncation or nonsense mediated decay in a gene for which loss-of-function is a known mechanism of disease; This variant is associated with the following publications: (PMID: 25262865, 24111713, 28408708, 34819141, 33673806, 27532257, 25611685)

Blueprint Genetics
Classification: Pathogenic for MYBPC3-related disorders. Last evaluated: 2020-04-14. Review status: criteria provided, single submitter. Criteria: ACMG Guidelines, 2015. Collection method: clinical testing. Allele origin: germline. Affected: yes. Observed: 4 variant alleles.

Laboratory for Molecular Medicine, Mass General Brigham Personalized Medicine
Classification: Pathogenic for Hypertrophic cardiomyopathy. Last evaluated: 2011-09-21. Review status: criteria provided, single submitter. Criteria: LMM Criteria. Collection method: clinical testing. Allele origin: germline. Inheritance: Autosomal dominant inheritance. Observed: 4 variant alleles.
Comment: The Tyr1136X variant leads to a premature stop at codon 1136, which is predicted to lead to a truncated or absent protein. Loss of function variants are an esta blished mechanism of disease for the MYBPC3 gene. Therefore, Tyr1136X variant me ets our criteria for pathogenicity.

Agnes Ginges Centre for Molecular Cardiology, Centenary Institute
Classification: Pathogenic for Hypertrophic cardiomyopathy. Last evaluated: 2019-12-11. Review status: no assertion criteria provided. Collection method: research. Allele origin: germline. Inheritance: Autosomal dominant inheritance. Affected: yes. Not counted in ClinVar's aggregate classification.
Comment: The MYBPC3 Tyr1136Ter variant has been reported in a compound heterozygous infant born with an ventricular septal defect and LVNC, and a family history of HCM on both sides of the family. The Tyr1136Ter segregated on it's own in the probands mother who had a diagnosis of HCM (Haberer K, et al., 2014). It has also been reported in 4 HCM probands (Alfares AA, et al., 2015; Walsh R, et al., 2017). This variant is absent from the Genome Aggregation Database. Based on the adapted ACMG guidelines (Kelly MA, et al., 2018) this variant results in loss of function of MYBPC3 (PVS1), is rare in the general population (PM2) and has been reported in at least two HCM probands (PS4_supporting), therefore we classify MYBPC3 Tyr1136Ter as "pathogenic".

Women's Health and Genetics/Laboratory Corporation of America, LabCorp
Classification: Pathogenic for Hypertrophic Cardiomyopathy. Last evaluated: 2015-05-26. Review status: no assertion criteria provided. Collection method: clinical testing. Allele origin: germline. Not counted in ClinVar's aggregate classification.

Literature cited by the submitters: PubMed 19574547 (cited by Labcorp Genetics (formerly Invitae), Labcorp); PubMed 24111713 (cited by 4 submitters); PubMed 25262865 (cited by 4 submitters); PubMed 27532257 (cited by 3 submitters); PubMed 28408708 (cited by 4 submitters); PubMed 28615295 (cited by All of Us Research Program, National Institutes of Health); PubMed 33495596 (cited by All of Us Research Program, National Institutes of Health); PubMed 33673806 (cited by All of Us Research Program, National Institutes of Health); PubMed 25611685 (cited by Agnes Ginges Centre for Molecular Cardiology, Centenary Institute).